The following is an entry in ClinVar:

ClinVar aggregate classification (germline): Uncertain significance (1 of 4 stars; one submission).

Allele frequency attached by ClinVar (database versions not stated): ExAC 0.00010; 1000 Genomes Project 30x 0.00016.

Submission:

Labcorp Genetics (formerly Invitae), Labcorp
Classification: Uncertain significance. Last evaluated: 2024-02-23. Review status: criteria provided, single submitter. Criteria: Invitae Variant Classification Sherloc (09022015). Collection method: clinical testing. Allele origin: germline.
Comment: This sequence change replaces leucine, which is neutral and non-polar, with glutamine, which is neutral and polar, at codon 340 of the FOXI3 protein (p.Leu340Gln). This variant is present in population databases (rs773079534, gnomAD 0.07%), and has an allele count higher than expected for a pathogenic variant. This variant has not been reported in the literature in individuals affected with FOXI3-related conditions. ClinVar contains an entry for this variant (Variation ID: 2165535). Experimental studies and prediction algorithms are not available or were not evaluated, and the functional significance of this variant is currently unknown. In summary, the available evidence is currently insufficient to determine the role of this variant in disease. Therefore, it has been classified as a Variant of Uncertain Significance.

NM_001135649.3(FOXI3):c.1019T>A (p.Leu340Gln)

Gene: FOXI3 (forkhead box I3; minus strand). Cytogenetic location: 2p11.2.
Variant type: single nucleotide variant.
Coding change: c.1019T>A on transcript NM_001135649.3 (MANE Select); coding-DNA position 1019, T replaced by A.
Protein change: p.Leu340Gln; replaces leucine 340 with glutamine.
Molecular consequence: missense variant.
Genome position (GRCh38, 1-based): chr2:88,448,451, A>T on the plus strand (T>A on the coding strand, the complement: FOXI3 is on the minus strand). VCF-style: chr2-88448451-A-T. GRCh37 (hg19) VCF-style: chr2-88747970-A-T.
Other names: short protein forms L340Q.
Identifiers: ClinVar variation 2165535 (VCV002165535.4), dbSNP rs773079534, ClinGen allele CA1753975.
Genomic context (GRCh38, chr2:88,448,451, plus strand): 5'-TCTGAGATGGAGGTCGGGGAGAACACGCCGCTGGAGGGCAGCTGGGCCCCCTGGATCCCT[A>T]GGTGGCGGCTGCCAGGGAGAGCCCGCTGGGTACTCACACTGCTGCTGACACTCAAGGAGC-3'
Protein context (NP_001129121.1, residues 330-350): TQRALPGSRH[Leu340Gln]GIQGAQLPSS